The following is an entry in ClinVar:

ClinVar aggregate classification (germline): Pathogenic. Review status: criteria provided, multiple submitters, no conflicts (2 of 4 stars). 4 submissions from 4 submitters: Pathogenic (2). 2 of the submissions do not count toward it. Last evaluated 2025-03-03.

Conditions:
KIF1C-related disorder. Also called: KIF1C-related condition.
Spastic ataxia 2. Also called: Ataxia, spastic, 2, autosomal recessive. Identifiers: Orphanet 397946, MedGen C1969796, MONDO:0012651, OMIM 611302.

Allele frequency attached by ClinVar (database versions not stated): gnomAD exomes below 0.00001.
gnomAD v4.1: 6 of 1,614,034 alleles (0.00037%); highest among the groups gnomAD compares: Admixed American, 0.0017%; no homozygotes.

Submissions (4):

Labcorp Genetics (formerly Invitae), Labcorp
Classification: Pathogenic for Spastic ataxia 2. Last evaluated: 2025-03-03. Review status: criteria provided, single submitter. Criteria: Invitae Variant Classification Sherloc (09022015). Collection method: clinical testing. Allele origin: germline.
Comment: This sequence change creates a premature translational stop signal (p.Arg731*) in the KIF1C gene. It is expected to result in an absent or disrupted protein product. Loss-of-function variants in KIF1C are known to be pathogenic (PMID: 24319291, 24482476). This variant is not present in population databases (gnomAD no frequency). This premature translational stop signal has been observed in individuals with hereditary spastic paraplegia (PMID: 24319291, 24482476). It has also been observed to segregate with disease in related individuals. ClinVar contains an entry for this variant (Variation ID: 101066). For these reasons, this variant has been classified as Pathogenic.

Mayo Clinic Laboratories, Mayo Clinic
Classification: Pathogenic. Last evaluated: 2024-11-13. Review status: criteria provided, single submitter. Criteria: ACMG Guidelines, 2015. Collection method: clinical testing. Allele origin: germline. Observed: 1 variant allele.
Comment: PP1_moderate, PP4, PM2_supporting, PVS1

PreventionGenetics, part of Exact Sciences
Classification: Pathogenic for KIF1C-related condition. Last evaluated: 2024-03-13. Review status: no assertion criteria provided. Collection method: clinical testing. Allele origin: germline. Not counted in ClinVar's aggregate classification.
Comment: The KIF1C c.2191C>T variant is predicted to result in premature protein termination (p.Arg731*). This variant in the homozygous condition was reported in two families with hereditary spastic paraplegia with cerebellar dysfunction (Dor et al. 2014. PubMed ID: 24319291; Family 803, Novarino et al. 2014. PubMed ID: 24482476). This variant has not been reported in a large population database, indicating this variant is rare. Nonsense variants in KIF1C are expected to be pathogenic. This variant is interpreted as pathogenic.

OMIM
Classification: Pathogenic for SPASTIC ATAXIA 2, AUTOSOMAL RECESSIVE. Last evaluated: 2014-02-01. Review status: no assertion criteria provided. Collection method: literature only. Allele origin: germline. Not counted in ClinVar's aggregate classification.

Literature cited by the submitters: PubMed 24319291 (cited by 3 submitters); PubMed 24482476 (cited by 3 submitters); PubMed 31616253 (cited by Mayo Clinic Laboratories, Mayo Clinic); PubMed 35775617 (cited by Mayo Clinic Laboratories, Mayo Clinic).

NM_006612.6(KIF1C):c.2191C>T (p.Arg731Ter)

Gene: KIF1C (kinesin family member 1C; plus strand). Cytogenetic location: 17p13.2.
Variant type: single nucleotide variant.
Coding change: c.2191C>T on transcript NM_006612.6 (MANE Select); coding-DNA position 2191, C replaced by T.
Protein change: p.Arg731Ter; replaces arginine 731 with a stop codon.
Molecular consequence: nonsense.
Genome position (GRCh38, 1-based): chr17:5,022,272, C>T. VCF-style: chr17-5022272-C-T. GRCh37 (hg19) VCF-style: chr17-4925567-C-T.
Other names: p.Arg731*; short protein forms R731*.
Identifiers: ClinVar variation 101066 (VCV000101066.11), dbSNP rs587777197, ClinGen allele CA150723.